The following is an entry in ClinVar:

NM_001174089.2(SLC4A11):c.2047dup (p.Asp683fs)

Gene: SLC4A11 (solute carrier family 4 member 11; minus strand). Cytogenetic location: 20p13.
Variant type: Duplication.
Coding change: c.2047dup on transcript NM_001174089.2 (MANE Select); coding-DNA position 2047, one base duplicated (G; older notation c.2047dupG).
Protein change: p.Asp683fs; shifts the reading frame from aspartic acid 683.
Molecular consequence: frameshift variant. On other transcripts: non-coding transcript variant (3).
Genome position (GRCh38, 1-based): chr20:3,228,983, C duplicated on the plus strand (G on the coding strand, the reverse complement: SLC4A11 is on the minus strand); the first of 3 consecutive C bases (chr20:3,228,983-3,228,985); duplicating any one gives the same sequence. VCF-style (leftmost placement, unchanged base first): chr20-3228982-T-TC. GRCh37 (hg19) VCF-style: chr20-3209628-T-TC.
Other names: c.1990dup, p.Asp664fs (NM_001400279.1, NM_001400277.1, NM_001400278.1); c.2062dup, p.Asp688fs (NM_001400280.1); c.2095dup, p.Asp699fs (NM_032034.4); c.2176dup, p.Asp726fs (NM_001174090.2); c.1933dup, p.Asp645fs (NM_001363745.2); short protein forms D683fs, D688fs, D645fs, D664fs, D726fs, D699fs.
Identifiers: ClinVar variation 2826749 (VCV002826749.3), dbSNP rs2514523772, ClinGen allele CA2739277021.
Genomic context (GRCh38, chr20:3,228,982, plus strand): 5'-TGGATCCAAGGCAGCCCAAACAGAGACAGCCCTGTGTTGATGATGGCGAGGAGCAGGAGG[T>TC]CCCAGTGGTAGGCAGTGCCCTTCACCAGCCTGCAGCAGACGGGCACTCGTGGACAGAGCC-3'

ClinVar aggregate classification (germline): Pathogenic (1 of 4 stars; one submission).

Submission:

Labcorp Genetics (formerly Invitae), Labcorp
Classification: Pathogenic. Last evaluated: 2023-01-07. Review status: criteria provided, single submitter. Criteria: Invitae Variant Classification Sherloc (09022015). Collection method: clinical testing. Allele origin: germline.
Comment: For these reasons, this variant has been classified as Pathogenic. This variant has not been reported in the literature in individuals affected with SLC4A11-related conditions. This variant is not present in population databases (gnomAD no frequency). This sequence change creates a premature translational stop signal (p.Asp699Glyfs*48) in the SLC4A11 gene. It is expected to result in an absent or disrupted protein product. Loss-of-function variants in SLC4A11 are known to be pathogenic (PMID: 17220209, 17679935).

Literature cited by the submitters: PubMed 17220209; PubMed 17679935.